The following is an entry in ClinVar:

NM_001035.3(RYR2):c.10622C>T (p.Thr3541Ile)

Gene: RYR2 (ryanodine receptor 2; plus strand). Cytogenetic location: 1q43.
Variant type: single nucleotide variant.
Coding change: c.10622C>T on transcript NM_001035.3 (MANE Select); coding-DNA position 10622, C replaced by T.
Protein change: p.Thr3541Ile; replaces threonine 3541 with isoleucine.
Molecular consequence: missense variant.
Genome position (GRCh38, 1-based): chr1:237,723,195, C>T. VCF-style: chr1-237723195-C-T. GRCh37 (hg19) VCF-style: chr1-237886495-C-T.
Other names: short protein forms T3541I.
Identifiers: ClinVar variation 4758245 (VCV004758245.1).

ClinVar aggregate classification (germline): Uncertain significance (1 of 4 stars; one submission).

Conditions:
Cardiomyopathy (CMYO). Also called: Cardiomyopathies. Identifiers: Orphanet 167848, MedGen C0878544, MONDO:0004994, HP:0001638. Inheritance: Various modes of inheritance.

Submission:

Color Diagnostics, LLC DBA Color Health
Classification: Uncertain significance for Cardiomyopathy. Last evaluated: 2025-10-12. Review status: criteria provided, single submitter. Criteria: ACMG Guidelines, 2015. Collection method: clinical testing. Allele origin: germline.
Comment: This missense variant replaces threonine with isoleucine at codon 3541 of the RYR2 protein. Computational prediction suggests that this variant may not impact protein structure and function. To our knowledge, functional studies have not been reported for this variant. This variant has not been reported in individuals affected with RYR2-related disorders in the literature. This variant has not been identified in the general population by the Genome Aggregation Database (gnomAD). The available evidence is insufficient to determine the role of this variant in disease conclusively. Therefore, this variant is classified as a Variant of Uncertain Significance.